The following is an entry in ClinVar:

ClinVar aggregate classification (germline): Uncertain significance. Review status: criteria provided, multiple submitters, no conflicts (2 of 4 stars). 2 submissions from 2 submitters: Uncertain significance (2). Last evaluated 2024-12-11.

Conditions:
Inborn genetic diseases. Identifiers: MedGen C0950123, MeSH D030342.
Left ventricular noncompaction 8 (LVNC8). Identifiers: Orphanet 154, Orphanet 54260, MedGen C3809288, MONDO:0014152, OMIM 615373.

Allele frequency attached by ClinVar (database versions not stated): TOPMed below 0.00001; gnomAD 0.00001; gnomAD exomes 0.00001.

Submissions (2):

Ambry Genetics
Classification: Uncertain significance for Inborn genetic diseases. Last evaluated: 2024-12-11. Review status: criteria provided, single submitter. Criteria: Ambry Variant Classification Scheme 2023. Collection method: clinical testing. Allele origin: germline.

Labcorp Genetics (formerly Invitae), Labcorp
Classification: Uncertain significance for Left ventricular noncompaction 8. Last evaluated: 2024-07-26. Review status: criteria provided, single submitter. Criteria: Invitae Variant Classification Sherloc (09022015). Collection method: clinical testing. Allele origin: germline.
Comment: This sequence change replaces proline, which is neutral and non-polar, with glutamine, which is neutral and polar, at codon 755 of the PRDM16 protein (p.Pro755Gln). This variant is not present in population databases (gnomAD no frequency). This variant has not been reported in the literature in individuals affected with PRDM16-related conditions. ClinVar contains an entry for this variant (Variation ID: 1021423). An algorithm developed to predict the effect of missense changes on protein structure and function (PolyPhen-2) suggests that this variant is likely to be disruptive. In summary, the available evidence is currently insufficient to determine the role of this variant in disease. Therefore, it has been classified as a Variant of Uncertain Significance.

NM_022114.4(PRDM16):c.2264C>A (p.Pro755Gln)

Gene: PRDM16 (PR/SET domain 16; plus strand). Cytogenetic location: 1p36.32.
Variant type: single nucleotide variant.
Coding change: c.2264C>A on transcript NM_022114.4 (MANE Select); coding-DNA position 2264, C replaced by A.
Protein change: p.Pro755Gln; replaces proline 755 with glutamine.
Molecular consequence: missense variant.
Genome position (GRCh38, 1-based): chr1:3,412,461, C>A. VCF-style: chr1-3412461-C-A. GRCh37 (hg19) VCF-style: chr1-3329025-C-A.
Other names: c.2264C>A, p.Pro755Gln (NM_199454.3); c.2264C>A (NM_022114.3); short protein forms P755Q.
Identifiers: ClinVar variation 1021423 (VCV001021423.9), dbSNP rs969598014, ClinGen allele CA16967680.